The following is an entry in ClinVar:

NM_152618.3(BBS12):c.1303G>A (p.Gly435Ser)

Gene: BBS12 (Bardet-Biedl syndrome 12; plus strand). Cytogenetic location: 4q27.
Variant type: single nucleotide variant.
Coding change: c.1303G>A on transcript NM_152618.3 (MANE Select); coding-DNA position 1303, G replaced by A.
Protein change: p.Gly435Ser; replaces glycine 435 with serine.
Molecular consequence: missense variant.
Genome position (GRCh38, 1-based): chr4:122,743,195, G>A. VCF-style: chr4-122743195-G-A. GRCh37 (hg19) VCF-style: chr4-123664350-G-A.
Other names: c.1303G>A, p.Gly435Ser (NM_001178007.2); c.1303G>A (NM_152618.2); short protein forms G435S.
Identifiers: ClinVar variation 1007135 (VCV001007135.7), dbSNP rs762853916, ClinGen allele CA3069421.

ClinVar aggregate classification (germline): Uncertain significance. Review status: criteria provided, multiple submitters, no conflicts (2 of 4 stars). 5 submissions from 5 submitters: Uncertain significance (4). 1 of the submissions does not count toward it. Last evaluated 2026-06-03.

Conditions:
Bardet-Biedl syndrome (BBS). Identifiers: Orphanet 110, MedGen C0752166, MONDO:0015229.
BBS12-related disorder. Also called: BBS12-related condition.
Bardet-Biedl syndrome 12 (BBS12). Identifiers: Orphanet 110, MedGen C1859570, MONDO:0014440, OMIM 615989.

Allele frequency attached by ClinVar (database versions not stated): gnomAD exomes 0.00002; ExAC 0.00003; gnomAD 0.00003 and 0.00004; TOPMed 0.00004.
gnomAD v4.1: 26 of 1,614,166 alleles (0.0016%); highest among the groups gnomAD compares: African/African-American, 0.013%; no homozygotes.

Submissions (5):

PreventionGenetics, part of Exact Sciences
Classification: Uncertain significance for BBS12-related condition. Last evaluated: 2026-06-03. Review status: criteria provided, single submitter. Criteria: ACMG Guidelines, 2015. Collection method: clinical testing. Allele origin: germline.
Comment: The BBS12 c.1303G>A variant is predicted to result in the amino acid substitution p.Gly435Ser. To our knowledge, this variant has not been reported in the literature. This variant is reported in 0.0065% of alleles in individuals of South Asian descent in gnomAD. At this time, the clinical significance of this variant is uncertain due to the absence of conclusive functional and genetic evidence.

Labcorp Genetics (formerly Invitae), Labcorp
Classification: Uncertain significance for Bardet-Biedl syndrome. Last evaluated: 2025-03-17. Review status: criteria provided, single submitter. Criteria: Invitae Variant Classification Sherloc (09022015). Collection method: clinical testing. Allele origin: germline.
Comment: This sequence change replaces glycine, which is neutral and non-polar, with serine, which is neutral and polar, at codon 435 of the BBS12 protein (p.Gly435Ser). This variant is present in population databases (rs762853916, gnomAD 0.007%). This variant has not been reported in the literature in individuals affected with BBS12-related conditions. ClinVar contains an entry for this variant (Variation ID: 1007135). Invitae Evidence Modeling of protein sequence and biophysical properties (such as structural, functional, and spatial information, amino acid conservation, physicochemical variation, residue mobility, and thermodynamic stability) has been performed for this missense variant. However, the output from this modeling did not meet the statistical confidence thresholds required to predict the impact of this variant on BBS12 protein function. In summary, the available evidence is currently insufficient to determine the role of this variant in disease. Therefore, it has been classified as a Variant of Uncertain Significance.

Fulgent Genetics
Classification: Uncertain significance for Bardet-Biedl syndrome 12. Last evaluated: 2024-05-06. Review status: criteria provided, single submitter. Criteria: ACMG Guidelines, 2015. Collection method: clinical testing. Allele origin: germline.

Blueprint Genetics
Classification: Uncertain significance. Last evaluated: 2022-11-08. Review status: criteria provided, single submitter. Criteria: ACMG Guidelines, 2015. Collection method: clinical testing. Allele origin: germline.

Natera, Inc.
Classification: Uncertain significance for Bardet-Biedl syndrome type 12. Last evaluated: 2020-01-24. Review status: no assertion criteria provided. Collection method: clinical testing. Allele origin: germline. Not counted in ClinVar's aggregate classification.